The following is an entry in ClinVar:

NM_022765.4(MICAL1):c.2177C>G (p.Thr726Ser)

Gene: MICAL1 (microtubule associated monooxygenase, calponin and LIM domain containing 1; minus strand). Cytogenetic location: 6q21.
Variant type: single nucleotide variant.
Coding change: c.2177C>G on transcript NM_022765.4 (MANE Select); coding-DNA position 2177, C replaced by G.
Protein change: p.Thr726Ser; replaces threonine 726 with serine.
Molecular consequence: missense variant.
Genome position (GRCh38, 1-based): chr6:109,447,123, G>C on the plus strand (C>G on the coding strand, the complement: MICAL1 is on the minus strand). VCF-style: chr6-109447123-G-C. GRCh37 (hg19) VCF-style: chr6-109768326-G-C.
Other names: c.1919C>G, p.Thr640Ser (NM_001159291.2); c.2234C>G, p.Thr745Ser (NM_001286613.2); short protein forms T640S, T726S, T745S.
Identifiers: ClinVar variation 3620898 (VCV003620898.2).

ClinVar aggregate classification (germline): Uncertain significance (1 of 4 stars; one submission).

gnomAD v4.1: 1 of 1,614,178 alleles (0.000062%); highest among the groups gnomAD compares: Non-Finnish European, 0.000085%; no homozygotes.

Submission:

Labcorp Genetics (formerly Invitae), Labcorp
Classification: Uncertain significance. Last evaluated: 2024-02-13. Review status: criteria provided, single submitter. Criteria: Invitae Variant Classification Sherloc (09022015). Collection method: clinical testing. Allele origin: germline.
Comment: This sequence change replaces threonine, which is neutral and polar, with serine, which is neutral and polar, at codon 745 of the MICAL1 protein (p.Thr745Ser). This variant is not present in population databases (gnomAD no frequency). This variant has not been reported in the literature in individuals affected with MICAL1-related conditions. Algorithms developed to predict the effect of missense changes on protein structure and function output the following: SIFT: "Not Available"; PolyPhen-2: "Benign"; Align-GVGD: "Not Available". The serine amino acid residue is found in multiple mammalian species, which suggests that this missense change does not adversely affect protein function. In summary, the available evidence is currently insufficient to determine the role of this variant in disease. Therefore, it has been classified as a Variant of Uncertain Significance.